The following is an entry in ClinVar:

NM_000545.8(HNF1A):c.1300del (p.Leu434fs)

Gene: HNF1A (HNF1 homeobox A; plus strand). Cytogenetic location: 12q24.31.
Variant type: Deletion.
Coding change: c.1300del on transcript NM_000545.8 (MANE Select); coding-DNA position 1300, one base deleted (C; older notation c.1300delC).
Protein change: p.Leu434fs; shifts the reading frame from leucine 434.
Molecular consequence: frameshift variant.
Genome position (GRCh38, 1-based): chr12:120,996,733, C deleted; the last of 3 consecutive C bases (chr12:120,996,731-120,996,733); deleting any one gives the same sequence. VCF-style (leftmost placement, unchanged base first): chr12-120996730-AC-A. GRCh37 (hg19) VCF-style: chr12-121434533-AC-A.
Other names: c.1300del, p.Leu434fs (NM_001306179.2, NM_001406915.1); short protein forms L434fs.
Identifiers: ClinVar variation 4710779 (VCV004710779.1).

ClinVar aggregate classification (germline): Pathogenic (1 of 4 stars; one submission).

Submission:

Labcorp Genetics (formerly Invitae), Labcorp
Classification: Pathogenic. Last evaluated: 2025-11-12. Review status: criteria provided, single submitter. Criteria: Invitae Variant Classification Sherloc (09022015). Collection method: clinical testing. Allele origin: germline.
Comment: This sequence change creates a premature translational stop signal (p.Leu434Trpfs*23) in the HNF1A gene. It is expected to result in an absent or disrupted protein product. Loss-of-function variants in HNF1A are known to be pathogenic (PMID: 15928245, 18003757). This variant is not present in population databases (gnomAD no frequency). This premature translational stop signal has been observed in individual(s) with maturity-onset diabetes of the young (PMID: 36257325). For these reasons, this variant has been classified as Pathogenic.

Literature cited by the submitters: PubMed 15928245; PubMed 18003757; PubMed 36257325.